The following is an entry in ClinVar:

NM_001013838.3(CARMIL2):c.18C>A (p.Asp6Glu)

Gene: CARMIL2 (capping protein regulator and myosin 1 linker 2; plus strand). Cytogenetic location: 16q22.1.
Variant type: single nucleotide variant.
Coding change: c.18C>A on transcript NM_001013838.3 (MANE Select); coding-DNA position 18, C replaced by A.
Protein change: p.Asp6Glu; replaces aspartic acid 6 with glutamic acid.
Molecular consequence: missense variant.
Genome position (GRCh38, 1-based): chr16:67,645,264, C>A. VCF-style: chr16-67645264-C-A. GRCh37 (hg19) VCF-style: chr16-67679167-C-A.
Other names: c.18C>A, p.Asp6Glu (NM_001317026.3); short protein forms D6E.
Identifiers: ClinVar variation 1958671 (VCV001958671.5), dbSNP rs1261823980, ClinGen allele CA396328317.

ClinVar aggregate classification (germline): Uncertain significance (1 of 4 stars; one submission).

Allele frequency attached by ClinVar (database versions not stated): gnomAD exomes below 0.00001; gnomAD 0.00001; TOPMed 0.00001.
gnomAD v4.1: 2 of 1,603,040 alleles (0.00012%); highest among the groups gnomAD compares: Non-Finnish European, 0.00017%; no homozygotes.

Submission:

Labcorp Genetics (formerly Invitae), Labcorp
Classification: Uncertain significance. Last evaluated: 2024-07-20. Review status: criteria provided, single submitter. Criteria: Invitae Variant Classification Sherloc (09022015). Collection method: clinical testing. Allele origin: germline.
Comment: This sequence change replaces aspartic acid, which is acidic and polar, with glutamic acid, which is acidic and polar, at codon 6 of the CARMIL2 protein (p.Asp6Glu). This variant is present in population databases (no rsID available, gnomAD 0.007%). This variant has not been reported in the literature in individuals affected with CARMIL2-related conditions. ClinVar contains an entry for this variant (Variation ID: 1958671). An algorithm developed to predict the effect of missense changes on protein structure and function outputs the following: PolyPhen-2: "Possibly Damaging". The glutamic acid amino acid residue is found in multiple mammalian species, which suggests that this missense change does not adversely affect protein function. In summary, the available evidence is currently insufficient to determine the role of this variant in disease. Therefore, it has been classified as a Variant of Uncertain Significance.